The following is an entry in ClinVar:

NM_000051.4(ATM):c.1056C>T (p.Ile352=)

Gene: ATM (ATM serine/threonine kinase; plus strand). Cytogenetic location: 11q22.3.
Variant type: single nucleotide variant.
Coding change: c.1056C>T on transcript NM_000051.4 (MANE Select); coding-DNA position 1056, C replaced by T.
Protein change: p.Ile352=; no amino-acid change (isoleucine 352 retained).
Molecular consequence: synonymous variant.
Genome position (GRCh38, 1-based): chr11:108,247,118, C>T. VCF-style: chr11-108247118-C-T. GRCh37 (hg19) VCF-style: chr11-108117845-C-T.
Other names: c.1056C>T, p.Ile352= (NM_001351834.2).
Identifiers: ClinVar variation 628858 (VCV000628858.13), dbSNP rs1555068605, ClinGen allele CA476671580.

ClinVar aggregate classification (germline): Benign/Likely benign. Review status: criteria provided, multiple submitters, no conflicts (2 of 4 stars). 4 submissions from 4 submitters: Benign (1); Likely benign (3). Last evaluated 2024-04-24.

Conditions:
Hereditary cancer-predisposing syndrome. Also called: Tumor predisposition; Neoplastic Syndromes, Hereditary; Hereditary Cancer Syndrome; Hereditary neoplastic syndrome. Identifiers: Orphanet 140162, MedGen C0027672, MeSH D009386, MONDO:0015356.
Familial cancer of breast. Also called: BREAST CANCER, FAMILIAL; Hereditary breast cancer; hereditary breast carcinoma. Identifiers: Orphanet 227535, MedGen C0346153, MONDO:0016419, OMIM 114480. Disease mechanism: loss of function.
Ataxia-telangiectasia syndrome (AT). Also called: ATAXIA-TELANGIECTASIA, COMPLEMENTATION GROUP A; ATAXIA-TELANGIECTASIA, FRESNO VARIANT; LOUIS-BAR SYNDROME; Ataxia telangiectasia (A-T); Cerebello-oculocutaneous telangiectasia; Immunodeficiency with ataxia telangiectasia. Identifiers: Orphanet 100, MedGen C0004135, MONDO:0008840, OMIM 208900.

Submissions (4):

Myriad Genetics, Inc.
Classification: Benign for Familial cancer of breast. Last evaluated: 2024-04-24. Review status: criteria provided, single submitter. Criteria: Myriad Autosomal Dominant, Autosomal Recessive and X-Linked Classification Criteria (2023). Collection method: clinical testing. Allele origin: unknown.
Comment: This variant is considered benign. This variant is a silent/synonymous amino acid change and it is not expected to impact splicing.

Labcorp Genetics (formerly Invitae), Labcorp
Classification: Likely benign for Ataxia-telangiectasia syndrome. Last evaluated: 2023-09-27. Review status: criteria provided, single submitter. Criteria: Invitae Variant Classification Sherloc (09022015). Collection method: clinical testing. Allele origin: germline.

Ambry Genetics
Classification: Likely benign for Hereditary cancer-predisposing syndrome. Last evaluated: 2023-03-26. Review status: criteria provided, single submitter. Criteria: Ambry Variant Classification Scheme 2023. Collection method: clinical testing. Allele origin: germline.

Color Diagnostics, LLC DBA Color Health
Classification: Likely benign for Hereditary cancer-predisposing syndrome. Last evaluated: 2018-07-17. Review status: criteria provided, single submitter. Criteria: ACMG Guidelines, 2015. Collection method: clinical testing. Allele origin: germline.